The following is an entry in ClinVar:

ClinVar aggregate classification (germline): Uncertain significance (1 of 4 stars; one submission).

Conditions:
Hereditary cancer-predisposing syndrome. Also called: Neoplastic Syndromes, Hereditary; Tumor predisposition; Hereditary Cancer Syndrome; Hereditary neoplastic syndrome. Identifiers: Orphanet 140162, MedGen C0027672, MeSH D009386, MONDO:0015356.

Submission:

Ambry Genetics
Classification: Uncertain significance for Hereditary cancer-predisposing syndrome. Last evaluated: 2026-01-10. Review status: criteria provided, single submitter. Criteria: Ambry Variant Classification Scheme 2023. Collection method: clinical testing. Allele origin: germline.
Comment: The p.D358Y variant (also known as c.1072G>T), located in coding exon 4 of the MSH6 gene, results from a G to T substitution at nucleotide position 1072. The aspartic acid at codon 358 is replaced by tyrosine, an amino acid with highly dissimilar properties. This amino acid position is conserved. In addition, the in silico prediction for this alteration is inconclusive. Based on the available evidence, the clinical significance of this variant remains unclear.

NM_000179.3(MSH6):c.1072G>T (p.Asp358Tyr)

Gene: MSH6 (mutS homolog 6; plus strand). Cytogenetic location: 2p16.3.
Variant type: single nucleotide variant.
Coding change: c.1072G>T on transcript NM_000179.3 (MANE Select); coding-DNA position 1072, G replaced by T.
Protein change: p.Asp358Tyr; replaces aspartic acid 358 with tyrosine.
Molecular consequence: missense variant. On other transcripts: non-coding transcript variant (4), intron variant (1).
Genome position (GRCh38, 1-based): chr2:47,799,055, G>T. VCF-style: chr2-47799055-G-T. GRCh37 (hg19) VCF-style: chr2-48026194-G-T.
Other names: c.1072G>T, p.Asp358Tyr (NM_001406808.1, NM_001406809.1, NM_001406817.1 and 4 more transcripts); c.166G>T, p.Asp56Tyr (NM_001406811.1, NM_001406812.1, NM_001406814.1 and 6 more transcripts); c.1078G>T, p.Asp360Tyr (NM_001406813.1); c.775G>T, p.Asp259Tyr (NM_001406818.1, NM_001406820.1, NM_001406821.1 and 10 more transcripts); c.682G>T, p.Asp228Tyr (NM_001281492.2); c.1168G>T, p.Asp390Tyr (NM_001406795.1, NM_001406802.1); c.547G>T, p.Asp183Tyr (NM_001406799.1, NM_001406806.1, NM_001406807.1); c.904G>T, p.Asp302Tyr (NM_001406826.1); and 2 more; short protein forms D228Y, D360Y, D302Y, D259Y, D332Y, D358Y, D56Y, D183Y.
Identifiers: ClinVar variation 4843698 (VCV004843698.1).